The following is an entry in ClinVar:

ClinVar aggregate classification (germline): Pathogenic (1 of 4 stars; one submission).

Submission:

Labcorp Genetics (formerly Invitae), Labcorp
Classification: Pathogenic. Last evaluated: 2022-10-24. Review status: criteria provided, single submitter. Criteria: Invitae Variant Classification Sherloc (09022015). Collection method: clinical testing. Allele origin: germline.
Comment: This variant is a gross deletion of the genomic region encompassing exon(s) 9 of the ALPL gene. This variant would be expected to be in-frame, preserving the integrity of the reading frame. A similar copy number variant has been observed in individual(s) with hypophosphatasia (PMID: 33549410). In at least one individual the data is consistent with being in trans (on the opposite chromosome) from a pathogenic variant. This variant disrupts a region of the ALPL protein in which other variant(s) (p.Asp294Ala) have been determined to be pathogenic (PMID: 1409720, 10839996, 15694177, 25731960). This suggests that this is a clinically significant region of the protein, and that variants that disrupt it are likely to be disease-causing. For these reasons, this variant has been classified as Pathogenic.

Literature cited by the submitters: PubMed 33549410; PubMed 1409720; PubMed 10839996; PubMed 15694177; PubMed 25731960.

NC_000001.10:g.(?_21900138)_(21900312_?)del

Gene: ALPL (alkaline phosphatase, biomineralization associated; plus strand). Cytogenetic location: 1p36.12.
Variant type: Deletion.
Identifiers: ClinVar variation 1066773 (VCV001066773.2).